The following is an entry in ClinVar:

ClinVar aggregate classification (germline): Uncertain significance (1 of 4 stars; one submission).

Allele frequency attached by ClinVar (database versions not stated): gnomAD 0.00002; TOPMed 0.00002.
gnomAD v4.1: 37 of 1,596,532 alleles (0.0023%); highest among the groups gnomAD compares: Non-Finnish European, 0.003%; no homozygotes.

Submission:

Labcorp Genetics (formerly Invitae), Labcorp
Classification: Uncertain significance. Last evaluated: 2022-06-25. Review status: criteria provided, single submitter. Criteria: Invitae Variant Classification Sherloc (09022015). Collection method: clinical testing. Allele origin: germline.
Comment: This sequence change creates a premature translational stop signal (p.Arg266*) in the TRMT5 gene. It is expected to result in an absent or disrupted protein product. However, the current clinical and genetic evidence is not sufficient to establish whether loss-of-function variants in TRMT5 cause disease. This variant is present in population databases (rs747688805, gnomAD 0.007%). This variant has not been reported in the literature in individuals affected with TRMT5-related conditions. In summary, the available evidence is currently insufficient to determine the role of this variant in disease. Therefore, it has been classified as a Variant of Uncertain Significance.

NM_020810.3(TRMT5):c.796C>T (p.Arg266Ter)

Gene: TRMT5 (tRNA methyltransferase 5; minus strand). Cytogenetic location: 14q23.1.
Variant type: single nucleotide variant.
Coding change: c.796C>T on transcript NM_020810.3 (MANE Select); coding-DNA position 796, C replaced by T.
Protein change: p.Arg266Ter; replaces arginine 266 with a stop codon.
Molecular consequence: nonsense.
Genome position (GRCh38, 1-based): chr14:60,976,123, G>A on the plus strand (C>T on the coding strand, the complement: TRMT5 is on the minus strand). VCF-style: chr14-60976123-G-A. GRCh37 (hg19) VCF-style: chr14-61442841-G-A.
Other names: c.880C>T, p.Arg294Ter (NM_001350253.1); c.877C>T, p.Arg293Ter (NM_001350254.1); short protein forms R266*, R293*, R294*.
Identifiers: ClinVar variation 1902855 (VCV001902855.2), dbSNP rs747688805, ClinGen allele CA261750667.
Genomic context (GRCh38, chr14:60,976,123, plus strand): 5'-ACAGACGAGGATTCCAATAGACTTTTGAAAAATCAAATTCATAGGTGTAGTTGTTTTCTC[G>A]AACCTGAAAAAAGGTGTTATGCTTTTTGGTTAATTTCCTTGGTCCTAAATCCTAACCATT-3'